The following is an entry in ClinVar:

ClinVar aggregate classification (germline): Uncertain significance. Review status: criteria provided, multiple submitters, no conflicts (2 of 4 stars). 2 submissions from 2 submitters: Uncertain significance (2). Last evaluated 2026-06-01.

Conditions:
Inborn genetic diseases. Identifiers: MedGen C0950123, MeSH D030342.

gnomAD v4.1: 57 of 1,612,710 alleles (0.0035%); highest among the groups gnomAD compares: Admixed American, 0.0067%; no homozygotes.

Submissions (2):

CeGaT Center for Human Genetics Tuebingen
Classification: Uncertain significance. Last evaluated: 2026-06-01. Review status: criteria provided, single submitter. Criteria: CeGaT Center For Human Genetics Tuebingen Variant Classification Criteria Version 2. Collection method: clinical testing. Allele origin: germline. Affected: yes. Observed: 1 variant allele.
Comment: PRR12: PP2

Ambry Genetics
Classification: Uncertain significance for Inborn genetic diseases. Last evaluated: 2025-02-28. Review status: criteria provided, single submitter. Criteria: Ambry Variant Classification Scheme 2023. Collection method: clinical testing. Allele origin: germline.

NM_020719.3(PRR12):c.4696G>A (p.Gly1566Ser)

Gene: PRR12 (proline rich 12; plus strand). Cytogenetic location: 19q13.33.
Variant type: single nucleotide variant.
Coding change: c.4696G>A on transcript NM_020719.3 (MANE Select); coding-DNA position 4696, G replaced by A.
Protein change: p.Gly1566Ser; replaces glycine 1566 with serine.
Molecular consequence: missense variant.
Genome position (GRCh38, 1-based): chr19:49,601,841, G>A. VCF-style: chr19-49601841-G-A. GRCh37 (hg19) VCF-style: chr19-50105098-G-A.
Other names: short protein forms G1566S.
Identifiers: ClinVar variation 3783687 (VCV003783687.3).